The following is an entry in ClinVar:

NM_001034853.2(RPGR):c.491G>A (p.Trp164Ter)

Gene: RPGR (retinitis pigmentosa GTPase regulator; minus strand). Cytogenetic location: Xp11.4.
Variant type: single nucleotide variant.
Coding change: c.491G>A on transcript NM_001034853.2 (MANE Select); coding-DNA position 491, G replaced by A.
Protein change: p.Trp164Ter; replaces tryptophan 164 with a stop codon.
Molecular consequence: nonsense. On other transcripts: non-coding transcript variant (6).
Genome position (GRCh38, 1-based): chrX:38,317,444, C>T on the plus strand (G>A on the coding strand, the complement: RPGR is on the minus strand). VCF-style: chrX-38317444-C-T. GRCh37 (hg19) VCF-style: chrX-38176697-C-T.
Other names: NM_001034853.2:c.491G>A; c.491G>A, p.Trp164Ter (NM_000328.3, NM_001367245.1, NM_001367246.1 and 3 more transcripts); c.521G>A, p.Trp174Ter (NM_001367248.1); c.488G>A, p.Trp163Ter (NM_001367249.1); short protein forms W163*, W164*, W174*.
Identifiers: ClinVar variation 5014666 (VCV005014666.2).

ClinVar aggregate classification (germline): Likely pathogenic. Review status: reviewed by expert panel (3 of 4 stars). 2 submissions from 2 submitters: Likely pathogenic (1). 1 of the submissions does not count toward it. Last evaluated 2026-11-20.

Conditions:
RPGR-related retinopathy. Also called: RPGR retinopathy. Identifiers: MedGen CN305589, MONDO:0100437.

Submissions (2):

ClinGen X-linked Inherited Retinal Disease Variant Curation Expert Panel, ClinGen
Classification: Likely pathogenic for RPGR-related retinopathy. Last evaluated: 2026-11-20. Review status: reviewed by expert panel. Criteria: ClinGen X LinkedIRD ACMG Specifications RPGR V1.0.0. Collection method: curation. Allele origin: germline. Inheritance: X-linked inheritance.
Comment: NM_001034853.2(RPGR):c.491G>A (p.Trp164Ter) is a nonsense variant in exon 6 of 15 that is predicted to trigger nonsense-mediated decay (PVS1). This variant is absent from hemizygous individuals in gnomAD v4.1.2 (PM2_Supporting). At least one female proband harboring this variant exhibits a family history consistent with X-linked inheritance including a similarly affected male relative (2 pts), and a phenotype including nearly flat rod and cone electroretinogram responses, night blindness (0.5 pts) since early childhood (1 pt), decreased central visual acuity (0.5 pts), fundus images showing extensive pigmentary retinopathy with bony spicules (0.5 pts), diffuse peripheral hypofluorescent spots on fundus autofluorescence, and severe visual field constriction (0.5 pts), with genotyping by next-generation sequencing–based panel that did not identify an alternative basis for retinal disease (2 pts), however, the PP4 code was not considered as the proband is not male (7 total points, PMID: 38351481). In summary, this variant is classified as likely pathogenic for RPGR-related retinopathy based on the ClinGen X-linked Inherited Retinal Disease Expert Panel Specifications to the ACMG/AMP Variant Interpretation Guidelines for RPGR Version 1.0.0; PVS1 and PM2_Supporting.

Myriad Genetics, Inc.
Classification: Pathogenic for RPGR-related retinopathy. Last evaluated: 2025-06-30. Review status: criteria provided, single submitter. Criteria: Myriad Autosomal Dominant, Autosomal Recessive and X-Linked Classification Criteria (2023). Collection method: clinical testing. Allele origin: unknown. Not counted in ClinVar's aggregate classification.
Comment: NM_000328.2(RPGR):c.491G>A(W164*) is expected to be pathogenic in the context of X-linked retinal dystrophy, RPGR-related. This variant is predicted to lead to an abnormal or absent protein product due to the creation of a premature termination codon in RPGR, a gene where loss-of-function variants are known to be pathogenic. Please note: this variant was assessed in the context of healthy population screening.